The following is an entry in ClinVar:

NM_005006.7(NDUFS1):c.1612C>T (p.Arg538Trp)

Gene: NDUFS1 (NADH:ubiquinone oxidoreductase core subunit S1; minus strand). Cytogenetic location: 2q33.3.
Variant type: single nucleotide variant.
Coding change: c.1612C>T on transcript NM_005006.7 (MANE Select); coding-DNA position 1612, C replaced by T.
Protein change: p.Arg538Trp; replaces arginine 538 with tryptophan.
Molecular consequence: missense variant.
Genome position (GRCh38, 1-based): chr2:206,130,184, G>A on the plus strand (C>T on the coding strand, the complement: NDUFS1 is on the minus strand). VCF-style: chr2-206130184-G-A. GRCh37 (hg19) VCF-style: chr2-206994908-G-A.
Other names: c.1504C>T, p.Arg502Trp (NM_001199981.2); c.1279C>T, p.Arg427Trp (NM_001199982.2); c.1441C>T, p.Arg481Trp (NM_001199983.2); c.1654C>T, p.Arg552Trp (NM_001199984.2); short protein forms R481W, R552W, R502W, R427W, R538W.
Identifiers: ClinVar variation 896255 (VCV000896255.13), dbSNP rs138887128, ClinGen allele CA2070390.
Genomic context (GRCh38, chr2:206,130,184, plus strand): 5'-GTCGTGTGATACAACCTCCATCTGCTCCCAGGAGAAACAGCACCTTGGGAGGGTTCTTCC[G>A]AATTGCTTCCACCCCAGGCTTATAGCCAAGGTCCAAAGCAGCTACTTGACTTGCAATCCT-3'
Protein context (NP_004997.4, residues 528-548): LGYKPGVEAI[Arg538Trp]KNPPKVLFLL

ClinVar aggregate classification (germline): Conflicting classifications of pathogenicity. Review status: criteria provided, conflicting classifications (1 of 4 stars). 5 submissions from 4 submitters: Uncertain significance (4); Likely benign (1). Last evaluated 2025-12-26.

Conditions:
Leigh syndrome (NULS). Also called: Leigh's necrotizing encephalopathy; Leigh's disease; Leigh's syndrome; Subacute necrotizing encephalopathy; Necrotizing encephalopathy infantile subacute of Leigh; Leigh Disease. Identifiers: Orphanet 506, MedGen C2931891, MONDO:0009723, OMIM 256000.
NDUFS1-related disorder. Also called: NDUFS1-related condition.
Mitochondrial complex I deficiency, nuclear type 1. Also called: NADH-COENZYME Q REDUCTASE DEFICIENCY; MITOCHONDRIAL NADH DEHYDROGENASE COMPONENT OF COMPLEX I, DEFICIENCY OF. Identifiers: MedGen C6022305, MONDO:0100224, OMIM 252010.

Allele frequency attached by ClinVar (database versions not stated): ESP Exome Variant Server 0.00008; gnomAD 0.00008 and 0.00009; TOPMed 0.00010.

Submissions (5):

PreventionGenetics, part of Exact Sciences
Classification: Likely benign for NDUFS1-related condition. Last evaluated: 2025-12-26. Review status: criteria provided, single submitter. Criteria: ACMG Guidelines, 2015. Collection method: clinical testing. Allele origin: germline.
Comment: This variant is classified as likely benign based on ACMG/AMP sequence variant interpretation guidelines (Richards et al. 2015 PMID: 25741868, with internal and published modifications).

Labcorp Genetics (formerly Invitae), Labcorp
Classification: Uncertain significance. Last evaluated: 2024-12-02. Review status: criteria provided, single submitter. Criteria: Invitae Variant Classification Sherloc (09022015). Collection method: clinical testing. Allele origin: germline.
Comment: This sequence change replaces arginine, which is basic and polar, with tryptophan, which is neutral and slightly polar, at codon 538 of the NDUFS1 protein (p.Arg538Trp). This variant is present in population databases (rs138887128, gnomAD 0.2%). This variant has not been reported in the literature in individuals affected with NDUFS1-related conditions. ClinVar contains an entry for this variant (Variation ID: 896255). Invitae Evidence Modeling of protein sequence and biophysical properties (such as structural, functional, and spatial information, amino acid conservation, physicochemical variation, residue mobility, and thermodynamic stability) has been performed for this missense variant. However, the output from this modeling did not meet the statistical confidence thresholds required to predict the impact of this variant on NDUFS1 protein function. In summary, the available evidence is currently insufficient to determine the role of this variant in disease. Therefore, it has been classified as a Variant of Uncertain Significance.

GeneDx
Classification: Uncertain significance. Last evaluated: 2023-10-20. Review status: criteria provided, single submitter. Criteria: GeneDx Variant Classification Process June 2021. Collection method: clinical testing. Allele origin: germline. Affected: yes.
Comment: In silico analysis supports that this missense variant has a deleterious effect on protein structure/function; Has not been previously published as pathogenic or benign to our knowledge

Illumina Laboratory Services, Illumina
Classification: Uncertain significance for Mitochondrial complex I deficiency, nuclear type 1. Last evaluated: 2018-01-13. Review status: criteria provided, single submitter. Criteria: ICSL Variant Classification Criteria 13 December 2019. Collection method: clinical testing. Allele origin: germline.

Illumina Laboratory Services, Illumina
Classification: Uncertain significance for Leigh syndrome. Last evaluated: 2018-01-13. Review status: criteria provided, single submitter. Criteria: ICSL Variant Classification Criteria 13 December 2019. Collection method: clinical testing. Allele origin: germline.